The following is an entry in ClinVar:

ClinVar aggregate classification (germline): Uncertain significance (1 of 4 stars; one submission).

Conditions:
SCAPER-related disorder. Also called: SCAPER-related condition.

gnomAD v4.1: 1 of 1,613,022 alleles (0.000062%); highest among the groups gnomAD compares: Non-Finnish European, 0.000085%; no homozygotes.

Submission:

PreventionGenetics, part of Exact Sciences
Classification: Uncertain significance for SCAPER-related condition. Last evaluated: 2025-08-29. Review status: criteria provided, single submitter. Criteria: ACMG Guidelines, 2015. Collection method: clinical testing. Allele origin: germline.
Comment: The SCAPER c.1117G>A variant is predicted to result in the amino acid substitution p.Val373Ile. To our knowledge, this variant has not been reported in the literature or in a large population database (gnomAD), indicating this variant is rare. At this time, the clinical significance of this variant is uncertain due to the absence of conclusive functional and genetic evidence.

NM_020843.4(SCAPER):c.1117G>A (p.Val373Ile)

Gene: SCAPER (S-phase cyclin A associated protein in the ER; minus strand). Cytogenetic location: 15q24.3.
Variant type: single nucleotide variant.
Coding change: c.1117G>A on transcript NM_020843.4 (MANE Select); coding-DNA position 1117, G replaced by A.
Protein change: p.Val373Ile; replaces valine 373 with isoleucine.
Molecular consequence: missense variant. On other transcripts: non-coding transcript variant (1).
Genome position (GRCh38, 1-based): chr15:76,771,873, C>T on the plus strand (G>A on the coding strand, the complement: SCAPER is on the minus strand). VCF-style: chr15-76771873-C-T. GRCh37 (hg19) VCF-style: chr15-77064214-C-T.
Other names: c.379G>A, p.Val127Ile (NM_001145923.2); c.1117G>A, p.Val373Ile (NM_001353009.2); c.715G>A, p.Val239Ile (NM_001353010.2, NM_001353011.2, NM_001353012.2); short protein forms V127I, V239I, V373I.
Identifiers: ClinVar variation 4984488 (VCV004984488.1).